The following is an entry in ClinVar:

NM_001089.3(ABCA3):c.426C>G (p.Ser142Arg)

Gene: ABCA3 (ATP binding cassette subfamily A member 3; minus strand). Cytogenetic location: 16p13.3.
Variant type: single nucleotide variant.
Coding change: c.426C>G on transcript NM_001089.3 (MANE Select); coding-DNA position 426, C replaced by G.
Protein change: p.Ser142Arg; replaces serine 142 with arginine.
Molecular consequence: missense variant.
Genome position (GRCh38, 1-based): chr16:2,324,425, G>C on the plus strand (C>G on the coding strand, the complement: ABCA3 is on the minus strand). VCF-style: chr16-2324425-G-C. GRCh37 (hg19) VCF-style: chr16-2374426-G-C.
Other names: short protein forms S142R.
Identifiers: ClinVar variation 3232700 (VCV003232700.1), dbSNP rs1225097630, ClinGen allele CA394350457.

ClinVar aggregate classification (germline): Uncertain significance (1 of 4 stars; one submission).

Conditions:
Hereditary pulmonary alveolar proteinosis. Also called: Pulmonary surfactant metabolism dysfunction. Identifiers: Orphanet 264675, MedGen C3711368, MONDO:0012580.

Allele frequency attached by ClinVar (database versions not stated): TOPMed below 0.00001; gnomAD 0.00001.
gnomAD v4.1: 15 of 1,602,964 alleles (0.00094%); highest among the groups gnomAD compares: Non-Finnish European, 0.0012%; no homozygotes.

Submission:

Ambry Genetics
Classification: Uncertain significance for Hereditary pulmonary alveolar proteinosis. Last evaluated: 2022-12-09. Review status: criteria provided, single submitter. Criteria: Ambry Variant Classification Scheme 2023. Collection method: clinical testing. Allele origin: germline.
Comment: The p.S142R variant (also known as c.426C>G), located in coding exon 3 of the ABCA3 gene, results from a C to G substitution at nucleotide position 426. The serine at codon 142 is replaced by arginine, an amino acid with dissimilar properties. This amino acid position is conserved. In addition, the in silico prediction for this alteration is inconclusive. Since supporting evidence is limited at this time, the clinical significance of this alteration remains unclear.